The following is an entry in ClinVar:

NM_001352754.2(ARMC9):c.2171G>A (p.Gly724Glu)

Genes: ARMC9 (armadillo repeat containing 9; plus strand), LOC122861306 (Sharpr-MPRA regulatory region 9410; plus strand). Cytogenetic location: 2q37.1.
Variant type: single nucleotide variant.
Coding change: c.2171G>A on transcript NM_001352754.2 (MANE Select); coding-DNA position 2171, G replaced by A.
Protein change: p.Gly724Glu; replaces glycine 724 with glutamic acid.
Molecular consequence: missense variant.
Genome position (GRCh38, 1-based): chr2:231,360,793, G>A. VCF-style: chr2-231360793-G-A. GRCh37 (hg19) VCF-style: chr2-232225505-G-A.
Other names: c.2171G>A, p.Gly724Glu (NM_001271466.4); short protein forms G724E.
Identifiers: ClinVar variation 1360789 (VCV001360789.5), dbSNP rs1301946383, ClinGen allele CA350958101.

ClinVar aggregate classification (germline): Uncertain significance (1 of 4 stars; one submission).

Allele frequency attached by ClinVar (database versions not stated): gnomAD 0.00001; gnomAD exomes 0.00001; TOPMed 0.00002.
gnomAD v4.1: 14 of 1,536,028 alleles (0.00091%); highest among the groups gnomAD compares: Admixed American, 0.002%; no homozygotes.

Submission:

Labcorp Genetics (formerly Invitae), Labcorp
Classification: Uncertain significance. Last evaluated: 2025-01-27. Review status: criteria provided, single submitter. Criteria: Invitae Variant Classification Sherloc (09022015). Collection method: clinical testing. Allele origin: germline.
Comment: This sequence change replaces glycine, which is neutral and non-polar, with glutamic acid, which is acidic and polar, at codon 724 of the ARMC9 protein (p.Gly724Glu). This variant is not present in population databases (gnomAD no frequency). This variant has not been reported in the literature in individuals affected with ARMC9-related conditions. ClinVar contains an entry for this variant (Variation ID: 1360789). Experimental studies and prediction algorithms are not available or were not evaluated, and the functional significance of this variant is currently unknown. In summary, the available evidence is currently insufficient to determine the role of this variant in disease. Therefore, it has been classified as a Variant of Uncertain Significance.